The following is an entry in ClinVar:

ClinVar aggregate classification (germline): Uncertain significance (1 of 4 stars; one submission).

Submission:

Labcorp Genetics (formerly Invitae), Labcorp
Classification: Uncertain significance. Last evaluated: 2022-07-06. Review status: criteria provided, single submitter. Criteria: Invitae Variant Classification Sherloc (09022015). Collection method: clinical testing. Allele origin: germline.
Comment: This variant has not been reported in the literature in individuals affected with TANGO2-related conditions. This sequence change falls in intron 2 of the TANGO2 gene. It does not directly change the encoded amino acid sequence of the TANGO2 protein. It affects a nucleotide within the consensus splice site. This variant is not present in population databases (gnomAD no frequency). In summary, the available evidence is currently insufficient to determine the role of this variant in disease. Therefore, it has been classified as a Variant of Uncertain Significance. Variants that disrupt the consensus splice site are a relatively common cause of aberrant splicing (PMID: 17576681, 9536098). Algorithms developed to predict the effect of sequence changes on RNA splicing suggest that this variant is not likely to affect RNA splicing.

Literature cited by the submitters: PubMed 17576681; PubMed 9536098.

NM_152906.7(TANGO2):c.56+6C>T

Gene: TANGO2 (transport and golgi organization 2 homolog; plus strand). Cytogenetic location: 22q11.21.
Variant type: single nucleotide variant.
Coding change: c.56+6C>T on transcript NM_152906.7 (MANE Select); 6 bases into the intron after coding-DNA position 56, C replaced by T.
Molecular consequence: intron variant. On other transcripts: 5 prime UTR variant (12), non-coding transcript variant (1).
Genome position (GRCh38, 1-based): chr22:20,036,860, C>T. VCF-style: chr22-20036860-C-T. GRCh37 (hg19) VCF-style: chr22-20024383-C-T.
Other names: c.-56C>T (NM_001283129.3, NM_001283215.3, NM_001322141.2 and 5 more transcripts); c.-358C>T (NM_001322148.2, NM_001322150.2, NM_001322172.2 and 1 more transcripts); c.56+6C>T (NM_001283106.3, NM_001322163.2, NM_001283179.3 and 10 more transcripts); c.-124+6C>T (NM_001322174.2, NM_001322160.2, NM_001322175.2 and 5 more transcripts).
Identifiers: ClinVar variation 2073623 (VCV002073623.4), dbSNP rs2518307172, ClinGen allele CA2580099122.
Genomic context (GRCh38, chr22:20,036,860, plus strand): 5'-TGTGCATCATCTTCTTTAAGTTTGATCCTCGCCCTGTTTCCAAAAACGCGTACAGGTAAC[C>T]CCCTCGCTCTGCATCTGCTGCGCCCTGCAGGGTCCTGGGTGCCCAGCCAGTTCTCATGCC-3'